The following is an entry in ClinVar:

ClinVar aggregate classification (germline): Conflicting classifications of pathogenicity. Review status: criteria provided, conflicting classifications (1 of 4 stars). 6 submissions from 6 submitters: Uncertain significance (5); Likely benign (1). Last evaluated 2026-08-11.

Conditions:
PKHD1-related disorder. Also called: PKHD1-related condition.
Polycystic kidney disease 4 (PKD4). Also called: POLYCYSTIC KIDNEY AND HEPATIC DISEASE 1; POLYCYSTIC KIDNEY DISEASE, INFANTILE, TYPE I; Autosomal Recessive Polycystic Kidney Disease – PKHD1; PKD3; POLYCYSTIC KIDNEY DISEASE 4 WITH OR WITHOUT POLYCYSTIC LIVER DISEASE. Identifiers: MedGen C4540575, MONDO:0033004, OMIM 263200.
Autosomal recessive polycystic kidney disease (ARPKD). Also called: AR polycystic kidney disease. Identifiers: Orphanet 731, Orphanet 8378, MedGen C0085548, MeSH D017044, MONDO:0009889.

Allele frequency attached by ClinVar (database versions not stated): gnomAD 0.00030 and 0.00033; TOPMed 0.00033; ESP Exome Variant Server 0.00054; 1000 Genomes Project 0.00060; 1000 Genomes Project 30x 0.00094.
gnomAD v4.1: 100 of 1,613,472 alleles (0.0062%); highest among the groups gnomAD compares: African/African-American, 0.13%; no homozygotes.

Submissions (6):

PreventionGenetics, part of Exact Sciences
Classification: Uncertain significance for PKHD1-related condition. Last evaluated: 2026-08-11. Review status: criteria provided, single submitter. Criteria: ACMG Guidelines, 2015. Collection method: clinical testing. Allele origin: germline.
Comment: The PKHD1 c.3373A>C variant is predicted to result in the amino acid substitution p.Thr1125Pro. To our knowledge, this variant has not been reported in the literature. This variant is reported in 0.096% of alleles in individuals of African descent in gnomAD. Although we suspect this variant is benign, at this time, the clinical significance of this variant is uncertain due to the absence of conclusive functional and genetic evidence.

Labcorp Genetics (formerly Invitae), Labcorp
Classification: Likely benign for Autosomal recessive polycystic kidney disease. Last evaluated: 2025-12-29. Review status: criteria provided, single submitter. Criteria: Invitae Variant Classification Sherloc (09022015). Collection method: clinical testing. Allele origin: germline.

Mayo Clinic Laboratories, Mayo Clinic
Classification: Uncertain significance. Last evaluated: 2025-12-05. Review status: criteria provided, single submitter. Criteria: ACMG Guidelines, 2015. Collection method: clinical testing. Allele origin: germline. Observed: 1 variant allele.

Fulgent Genetics
Classification: Uncertain significance for Polycystic kidney disease 4. Last evaluated: 2024-05-14. Review status: criteria provided, single submitter. Criteria: ACMG Guidelines, 2015. Collection method: clinical testing. Allele origin: germline.

GeneDx
Classification: Uncertain significance. Last evaluated: 2023-01-09. Review status: criteria provided, single submitter. Criteria: GeneDx Variant Classification Process June 2021. Collection method: clinical testing. Allele origin: germline. Affected: yes.
Comment: In silico analysis supports that this missense variant has a deleterious effect on protein structure/function; Has not been previously published as pathogenic or benign to our knowledge

Eurofins Ntd Llc (ga)
Classification: Uncertain significance. Last evaluated: 2017-10-19. Review status: criteria provided, single submitter. Criteria: EGL Classification Definitions 2015. Collection method: clinical testing. Allele origin: germline. Observed: 2 variant alleles, 2 heterozygotes.

NM_138694.4(PKHD1):c.3373A>C (p.Thr1125Pro)

Gene: PKHD1 (PKHD1 ciliary IPT domain containing fibrocystin/polyductin; minus strand). Cytogenetic location: 6p12.2.
Variant type: single nucleotide variant.
Coding change: c.3373A>C on transcript NM_138694.4 (MANE Select); coding-DNA position 3373, A replaced by C.
Protein change: p.Thr1125Pro; replaces threonine 1125 with proline.
Molecular consequence: missense variant.
Genome position (GRCh38, 1-based): chr6:52,028,343, T>G on the plus strand (A>C on the coding strand, the complement: PKHD1 is on the minus strand). VCF-style: chr6-52028343-T-G. GRCh37 (hg19) VCF-style: chr6-51893141-T-G.
Other names: p.Thr1125Pro; c.3373A>C, p.Thr1125Pro (NM_170724.3); short protein forms T1125P.
Identifiers: ClinVar variation 282761 (VCV000282761.17), dbSNP rs144365187, ClinGen allele CA3852958.